The following is an entry in ClinVar:

ClinVar aggregate classification (germline): Uncertain significance (1 of 4 stars; one submission).

Submission:

Women's Health and Genetics/Laboratory Corporation of America, LabCorp
Classification: Uncertain significance. Last evaluated: 2024-12-26. Review status: criteria provided, single submitter. Criteria: LabCorp Variant Classification Summary - May 2015. Collection method: clinical testing. Allele origin: germline.
Comment: Variant summary: ZNF469 c.2453C>T (p.Pro818Leu) results in a non-conservative amino acid change in the encoded protein sequence. Two of three in-silico tools predict a damaging effect of the variant on protein function. The variant was absent in 150668 control chromosomes (gnomAD). The available data on variant occurrences in the general population are insufficient to allow any conclusion about variant significance. To our knowledge, no occurrence of c.2453C>T in individuals affected with Brittle cornea syndrome 1 and no experimental evidence demonstrating its impact on protein function have been reported. No submitters have cited clinical-significance assessments for this variant to ClinVar. Based on the evidence outlined above, the variant was classified as uncertain significance.

NM_001367624.2(ZNF469):c.2453C>T (p.Pro818Leu)

Gene: ZNF469 (zinc finger protein 469; plus strand). Cytogenetic location: 16q24.2.
Variant type: single nucleotide variant.
Coding change: c.2453C>T on transcript NM_001367624.2 (MANE Select); coding-DNA position 2453, C replaced by T.
Protein change: p.Pro818Leu; replaces proline 818 with leucine.
Molecular consequence: missense variant.
Genome position (GRCh38, 1-based): chr16:88,429,923, C>T. VCF-style: chr16-88429923-C-T. GRCh37 (hg19) VCF-style: chr16-88496331-C-T.
Other names: short protein forms P818L.
Identifiers: ClinVar variation 3768416 (VCV003768416.1).